The following is an entry in ClinVar:

NM_020435.4(GJC2):c.1027G>C (p.Ala343Pro)

Gene: GJC2 (gap junction protein gamma 2; plus strand). Cytogenetic location: 1q42.13.
Variant type: single nucleotide variant.
Coding change: c.1027G>C on transcript NM_020435.4 (MANE Select); coding-DNA position 1027, G replaced by C.
Protein change: p.Ala343Pro; replaces alanine 343 with proline.
Molecular consequence: missense variant.
Genome position (GRCh38, 1-based): chr1:228,158,785, G>C. VCF-style: chr1-228158785-G-C. GRCh37 (hg19) VCF-style: chr1-228346486-G-C.
Other names: short protein forms A343P.
Identifiers: ClinVar variation 4084830 (VCV004084830.8).

ClinVar aggregate classification (germline): Uncertain significance (1 of 4 stars; one submission).

gnomAD v4.1: 1 of 1,425,542 alleles (0.00007%); highest among the groups gnomAD compares: Non-Finnish European, 0.000092%; no homozygotes.

Submission:

CeGaT Center for Human Genetics Tuebingen
Classification: Uncertain significance. Last evaluated: 2025-08-01. Review status: criteria provided, single submitter. Criteria: CeGaT Center For Human Genetics Tuebingen Variant Classification Criteria Version 2. Collection method: clinical testing. Allele origin: germline. Affected: yes. Observed: 1 variant allele.
Comment: GJC2: PM2, PP3